The following is an entry in ClinVar:

NC_000013.11:g.85294188_85330291dup

Variant type: Duplication.
Identifiers: ClinVar variation 157290 (VCV000157290.2).

ClinVar aggregate classification (germline): not provided (0 of 4 stars; one submission).

Conditions:
Preeclampsia. Identifiers: Orphanet 275555, MedGen C0032914, MONDO:0005081, HP:0100602.

Submission:

Institute of Molecular and Cell Biology, University of Tartu
No classification provided. Condition: Preeclampsia. Review status: no classification provided. Collection method: case-control. Allele origin: unknown. Affected: yes. Study: Kasak2014.
Comment: The study aimed to determine the contribution of copy number variants in the genetic etiology of normal and complicated pregnancies. The samples represented (i) maternal blood DNA drawn from healthy pregnant women during 1st or 2nd trimester and (ii) maternal and paternal blood DNA drawn at term pregnancy cases representing normal and complicated gestations (severe preeclampsia, PE; gestational diabetes, GD; small-for-gestational age newborn, SGA; large-for-gestational age newborn, LGA). We performed CNV calling based on genome-wide genotyping dataset (Illumina HumanOmniExpress-24-v1 BeadChip) by applying three algorithms, QuantiSNP, GADA (Genome Alteration Detection Algorithm) and CNstream in parallel. The acquired CNV calls were merged with HD-CNV (Hotspot Detector for Copy Number Variants) program and only the CNVs predicted by at least two programs, were considered in subsequent analysis.

Literature cited by the submitters: PubMed 25666259.